The following is an entry in ClinVar:

ClinVar aggregate classification (germline): Pathogenic/Likely pathogenic. Review status: criteria provided, multiple submitters, no conflicts (2 of 4 stars). 3 submissions from 3 submitters: Pathogenic (1); Likely pathogenic (2). Last evaluated 2022-02-08.

Conditions:
Early-infantile DEE. Also called: Early infantile epileptic encephalopathy with suppression bursts; Early infantile epileptic encephalopathy; Ohtahara syndrome. Identifiers: Orphanet 1934, MedGen C0393706, MONDO:0800491.
Inborn genetic diseases. Identifiers: MedGen C0950123, MeSH D030342.

Submissions (3):

Labcorp Genetics (formerly Invitae), Labcorp
Classification: Pathogenic for Early-infantile DEE. Last evaluated: 2022-02-08. Review status: criteria provided, single submitter. Criteria: Invitae Variant Classification Sherloc (09022015). Collection method: clinical testing. Allele origin: germline.
Comment: ClinVar contains an entry for this variant (Variation ID: 383819). This missense change has been observed in individual(s) with Dravet syndrome (PMID: 24472396). In at least one individual the variant was observed to be de novo. This variant is not present in population databases (gnomAD no frequency). This sequence change replaces proline, which is neutral and non-polar, with histidine, which is basic and polar, at codon 1323 of the SCN1A protein (p.Pro1323His). Advanced modeling of protein sequence and biophysical properties (such as structural, functional, and spatial information, amino acid conservation, physicochemical variation, residue mobility, and thermodynamic stability) performed at Invitae indicates that this missense variant is expected to disrupt SCN1A protein function. For these reasons, this variant has been classified as Pathogenic. This variant disrupts the p.Pro1323 (also known as p.Pro1312) amino acid residue in SCN1A. Other variant(s) that disrupt this residue have been observed in individuals with SCN1A-related conditions (PMID: 21868258, 31009440), which suggests that this may be a clinically significant amino acid residue.

Ambry Genetics
Classification: Likely pathogenic for Inborn genetic diseases. Last evaluated: 2017-04-28. Review status: criteria provided, single submitter. Criteria: Ambry Variant Classification Scheme 2023. Collection method: clinical testing. Allele origin: germline.
Comment: The p.P1323H variant (also known as c.3968C>A), located in coding exon 20 of the SCN1A gene, results from a C to A substitution at nucleotide position 3968. The proline at codon 1323 is replaced by histidine, an amino acid with similar properties. This variant is located in the S4 transmembrane region and is predicted to be structurally deleterious (Wu J et al. Science, 2015 Dec;350). This amino acid position is highly conserved in available vertebrate species. In addition, this alteration is predicted to be deleterious by in silico analysis. Based on the majority of available evidence to date, this variant is likely to be pathogenic.

GeneDx
Classification: Likely pathogenic. Last evaluated: 2016-02-25. Review status: criteria provided, single submitter. Criteria: GeneDx Variant Classification (06012015). Collection method: clinical testing. Allele origin: germline. Affected: yes.
Comment: A published P1323H variant that is likely pathogenic has been identified in the SCN1A gene. TheP1323H variant has been reported previously as a de novo variant in an individual with Dravetsyndrome (Specchio et al., 2014). It was not observed in approximately 6,500 individuals of Europeanand African American ancestry in the NHLBI Exome Sequencing Project, indicating it is not acommon benign variant in these populations. The P1323H variant is a non-conservative amino acidsubstitution, which is likely to impact secondary protein structure as these residues differ in polarity,charge, size and/or other properties. This substitution occurs at a conserved position predicted to bewithin the voltage-sensor transmembrane segment S4 of the third homologous domain of the SCN1Aprotein. Different missense variants at the same position (P1323R, P1323S) as well as multiplemissense variants in nearby residues have been reported in association with SCN1A-related disorders(Stenson et al., 2014; SCN1A Variant Database), supporting the functional importance of this regionof the protein. In silico analysis predicts this variant is probably damaging to the proteinstructure/function. Therefore, this variant is likely pathogenic; however, the possibility that it isbenign cannot be excluded.

Literature cited by the submitters: PubMed 24472396 (cited by Labcorp Genetics (formerly Invitae), Labcorp and Ambry Genetics); PubMed 21868258 (cited by Labcorp Genetics (formerly Invitae), Labcorp); PubMed 31009440 (cited by Labcorp Genetics (formerly Invitae), Labcorp); PubMed 26680202 (cited by Ambry Genetics).

NM_001165963.4(SCN1A):c.3968C>A (p.Pro1323His)

Genes: SCN1A (sodium voltage-gated channel alpha subunit 1; minus strand), LOC102724058 (uncharacterized LOC102724058; plus strand). Cytogenetic location: 2q24.3.
Variant type: single nucleotide variant.
Coding change: c.3968C>A on transcript NM_001165963.4 (MANE Select); coding-DNA position 3968, C replaced by A.
Protein change: p.Pro1323His; replaces proline 1323 with histidine.
Molecular consequence: missense variant. On other transcripts: non-coding transcript variant (1).
Genome position (GRCh38, 1-based): chr2:166,009,753, G>T on the plus strand (C>A on the coding strand, the complement: SCN1A is on the minus strand). VCF-style: chr2-166009753-G-T. GRCh37 (hg19) VCF-style: chr2-166866263-G-T.
Other names: c.3884C>A, p.Pro1295His (NM_001165964.3, NM_001353957.2, NM_001353958.2); c.3968C>A, p.Pro1323His (NM_001202435.3, NM_001353948.2); c.3935C>A, p.Pro1312His (NM_001353949.2, NM_001353950.2, NM_001353951.2 and 2 more transcripts); c.3932C>A, p.Pro1311His (NM_001353954.2, NM_001353955.2); c.3881C>A, p.Pro1294His (NM_001353960.2); c.1526C>A, p.Pro509His (NM_001353961.2); short protein forms P1312H, P1323H, P509H, P1311H, P1294H, P1295H.
Identifiers: ClinVar variation 383819 (VCV000383819.12), dbSNP rs1057521746, ClinGen allele CA16603932.